The following is an entry in ClinVar:

ClinVar aggregate classification (germline): Uncertain significance (1 of 4 stars; one submission).

Conditions:
DICER1-related tumor predisposition. Also called: DICER1 syndrome; DICER1-related pleuropulmonary blastoma cancer predisposition syndrome. Identifiers: Orphanet 284343, MedGen C3839822, MONDO:0100216.

Submission:

Labcorp Genetics (formerly Invitae), Labcorp
Classification: Uncertain significance for DICER1-related tumor predisposition. Last evaluated: 2025-11-11. Review status: criteria provided, single submitter. Criteria: Invitae Variant Classification Sherloc (09022015). Collection method: clinical testing. Allele origin: germline.
Comment: This sequence change replaces methionine, which is neutral and non-polar, with threonine, which is neutral and polar, at codon 1483 of the DICER1 protein (p.Met1483Thr). This variant is not present in population databases (gnomAD no frequency). This variant has not been reported in the literature in individuals affected with DICER1-related conditions. Invitae Evidence Modeling of protein sequence and biophysical properties (such as structural, functional, and spatial information, amino acid conservation, physicochemical variation, residue mobility, and thermodynamic stability) indicates that this missense variant is not expected to disrupt DICER1 protein function with a negative predictive value of 95%. In summary, the available evidence is currently insufficient to determine the role of this variant in disease. Therefore, it has been classified as a Variant of Uncertain Significance.

NM_177438.3(DICER1):c.4448T>C (p.Met1483Thr)

Gene: DICER1 (dicer 1, ribonuclease III; minus strand). Cytogenetic location: 14q32.13.
Variant type: single nucleotide variant.
Coding change: c.4448T>C on transcript NM_177438.3 (MANE Select); coding-DNA position 4448, T replaced by C.
Protein change: p.Met1483Thr; replaces methionine 1483 with threonine.
Molecular consequence: missense variant. On other transcripts: non-coding transcript variant (6).
Genome position (GRCh38, 1-based): chr14:95,096,472, A>G on the plus strand (T>C on the coding strand, the complement: DICER1 is on the minus strand). VCF-style: chr14-95096472-A-G. GRCh37 (hg19) VCF-style: chr14-95562809-A-G.
Other names: c.4448T>C, p.Met1483Thr (NM_001195573.1, NM_001271282.3, NM_001291628.2 and 12 more transcripts); c.4166T>C, p.Met1389Thr (NM_001395686.1); c.4043T>C, p.Met1348Thr (NM_001395687.1, NM_001395688.1, NM_001395689.1 and 2 more transcripts); c.3881T>C, p.Met1294Thr (NM_001395691.1); c.2765T>C, p.Met922Thr (NM_001395697.1); short protein forms M1483T, M922T, M1389T, M1348T, M1294T.
Identifiers: ClinVar variation 4704529 (VCV004704529.1).